The following is an entry in ClinVar:

NM_000799.4(EPO):c.439T>C (p.Ser147Pro)

Gene: EPO (erythropoietin; plus strand). Cytogenetic location: 7q22.1.
Variant type: single nucleotide variant.
Coding change: c.439T>C on transcript NM_000799.4 (MANE Select); coding-DNA position 439, T replaced by C.
Protein change: p.Ser147Pro; replaces serine 147 with proline.
Molecular consequence: missense variant.
Genome position (GRCh38, 1-based): chr7:100,722,990, T>C. VCF-style: chr7-100722990-T-C. GRCh37 (hg19) VCF-style: chr7-100320613-T-C.
Other names: short protein forms S147P.
Identifiers: ClinVar variation 3032156 (VCV003032156.2), dbSNP rs755088347, ClinGen allele CA4389565.

ClinVar aggregate classification (germline): Uncertain significance (0 of 4 stars; one submission).

Conditions:
EPO-related disorder. Also called: EPO-related condition.

Allele frequency attached by ClinVar (database versions not stated): ExAC 0.00001; gnomAD exomes 0.00001.
gnomAD v4.1: 11 of 1,613,936 alleles (0.00068%); highest among the groups gnomAD compares: South Asian, 0.011%; no homozygotes.

Submission:

PreventionGenetics, part of Exact Sciences
Classification: Uncertain significance for EPO-related condition. Last evaluated: 2024-02-22. Review status: no assertion criteria provided. Collection method: clinical testing. Allele origin: germline.
Comment: The EPO c.439T>C variant is predicted to result in the amino acid substitution p.Ser147Pro. To our knowledge, this variant has not been reported in the literature. This variant is reported in 0.013% of alleles in individuals of South Asian descent in gnomAD. At this time, the clinical significance of this variant is uncertain due to the absence of conclusive functional and genetic evidence.